The following is an entry in ClinVar:

ClinVar aggregate classification (germline): Likely pathogenic (1 of 4 stars; one submission).

Allele frequency attached by ClinVar (database versions not stated): gnomAD exomes below 0.00001; TOPMed below 0.00001.
gnomAD v4.1: 3 of 1,614,190 alleles (0.00019%); highest among the groups gnomAD compares: Non-Finnish European, 0.00025%; no homozygotes.

Submission:

GeneDx
Classification: Likely pathogenic. Last evaluated: 2017-02-24. Review status: criteria provided, single submitter. Criteria: GeneDx Variant Classification (06012015). Collection method: clinical testing. Allele origin: germline. Affected: yes.
Comment: The W491R variant has not been published as a pathogenic variant, nor has it been reported as a benign variant to our knowledge. The W491R variant is not observed in large population cohorts (Lek et al., 2016; Exome Variant Server). The W491R variant is a non-conservative amino acid substitution, which is likely to impact secondary protein structure as these residues differ in polarity, charge, size and/or other properties. This substitution occurs at a position within the transmembrane helical region 4 that is conserved across species and in silico analysis predicts this variant is probably damaging the protein structure/function. Furthermore, W491 is proposed to be a critical residue in maintaining structural stability of the protein (Yariz et al. 2011). In summary, this variant is likely pathogenic; however, the possibility that it is benign cannot be excluded.

NM_000233.4(LHCGR):c.1471T>C (p.Trp491Arg)

Genes: LHCGR (luteinizing hormone/choriogonadotropin receptor; minus strand), STON1-GTF2A1L (STON1-GTF2A1L readthrough; plus strand). Cytogenetic location: 2p16.3.
Variant type: single nucleotide variant.
Coding change: c.1471T>C on transcript NM_000233.4 (MANE Select); coding-DNA position 1471, T replaced by C.
Protein change: p.Trp491Arg; replaces tryptophan 491 with arginine.
Molecular consequence: missense variant. On other transcripts: intron variant (1).
Genome position (GRCh38, 1-based): chr2:48,688,326, A>G on the plus strand (T>C on the coding strand, the complement: LHCGR is on the minus strand). VCF-style: chr2-48688326-A-G. GRCh37 (hg19) VCF-style: chr2-48915465-A-G.
Other names: c.3441+16646A>G (NM_001198593.2); short protein forms W491R.
Identifiers: ClinVar variation 423531 (VCV000423531.2), dbSNP rs1064796476, ClinGen allele CA16617732.